The following is an entry in ClinVar:

ClinVar aggregate classification (germline): Conflicting classifications of pathogenicity. Review status: criteria provided, conflicting classifications (1 of 4 stars). 4 submissions from 4 submitters: Likely pathogenic (1); Uncertain significance (3). Last evaluated 2024-09-04.

Conditions:
Diamond-Blackfan anemia. Also called: Blackfan Diamond syndrome; Aregenerative anemia chronic congenital; Red cell aplasia, pure hereditary; Congenital hypoplastic anemia; Aase syndrome. Identifiers: Orphanet 124, MedGen C1260899, MeSH D029503, MONDO:0015253, HP:0004810.
Diamond-Blackfan anemia 7 (DBA7). Also called: RPL11-Related Diamond-Blackfan Anemia. Identifiers: Orphanet 124, MedGen C2675512, MONDO:0012938, OMIM 612562.

Submissions (4):

Revvity Omics, Revvity
Classification: Uncertain significance for Diamond-Blackfan anemia 7. Last evaluated: 2024-09-04. Review status: criteria provided, single submitter. Criteria: ACMG Guidelines, 2015. Collection method: clinical testing. Allele origin: germline.

Labcorp Genetics (formerly Invitae), Labcorp
Classification: Likely pathogenic for Diamond-Blackfan anemia. Last evaluated: 2023-12-15. Review status: criteria provided, single submitter. Criteria: Invitae Variant Classification Sherloc (09022015). Collection method: clinical testing. Allele origin: germline.
Comment: This variant, c.296_298del, results in the deletion of 1 amino acid(s) of the RPL11 protein (p.Phe99del), but otherwise preserves the integrity of the reading frame. This variant is not present in population databases (gnomAD no frequency). This variant has been observed in individual(s) with Diamond-Blackfan anemia (Invitae). In at least one individual the variant was observed to be de novo. ClinVar contains an entry for this variant (Variation ID: 436550). In summary, the currently available evidence indicates that the variant is pathogenic, but additional data are needed to prove that conclusively. Therefore, this variant has been classified as Likely Pathogenic.

Blueprint Genetics
Classification: Uncertain significance. Last evaluated: 2023-12-04. Review status: criteria provided, single submitter. Criteria: ACMG Guidelines, 2015. Collection method: clinical testing. Allele origin: germline.

Genetic Services Laboratory, University of Chicago
Classification: Uncertain significance. Last evaluated: 2016-07-28. Review status: criteria provided, single submitter. Criteria: ACMG Guidelines, 2015. Collection method: clinical testing. Allele origin: germline. Affected: no.

NM_000975.5(RPL11):c.296_298del (p.Phe99del)

Gene: RPL11 (ribosomal protein L11; plus strand). Cytogenetic location: 1p36.11.
Variant type: Deletion.
Coding change: c.296_298del on transcript NM_000975.5 (MANE Select); coding-DNA positions 296 to 298, 3 bases deleted (TCT; older notation c.296_298delTCT).
Protein change: p.Phe99del; deletes phenylalanine 99.
Molecular consequence: inframe deletion.
Genome position (GRCh38, 1-based): chr1:23,694,691-23,694,693, TCT deleted; deleting any 3 consecutive bases within chr1:23,694,689-23,694,693 gives the same sequence; the c. name uses the placement nearest the transcript's 3' end. VCF-style (leftmost placement, unchanged base first): chr1-23694688-ACTT-A. GRCh37 (hg19) VCF-style: chr1-24021178-ACTT-A.
Other names: c.293_295del, p.Phe98del (NM_001199802.1); c.296_298del, p.Phe99del (LRG_1140t1); short protein forms F99del, F98del.
Identifiers: ClinVar variation 436550 (VCV000436550.11), dbSNP rs1553121852, ClinGen allele CA645372340.